The following is an entry in ClinVar:

NM_006013.5(RPL10):c.107T>A (p.Leu36Gln)

Gene: RPL10 (ribosomal protein L10; plus strand). Cytogenetic location: Xq28.
Variant type: single nucleotide variant.
Coding change: c.107T>A on transcript NM_006013.5 (MANE Select); coding-DNA position 107, T replaced by A.
Protein change: p.Leu36Gln; replaces leucine 36 with glutamine.
Molecular consequence: missense variant. On other transcripts: intron variant (1).
Genome position (GRCh38, 1-based): chrX:154,399,511, T>A. VCF-style: chrX-154399511-T-A. GRCh37 (hg19) VCF-style: chrX-153627852-T-A.
Other names: c.107T>A, p.Leu36Gln (NM_001256577.2, NM_001303624.2, NM_001303625.1 and 1 more transcripts); c.82+115T>A (NM_001256580.2); short protein forms L36Q.
Identifiers: ClinVar variation 4885491 (VCV004885491.2).

ClinVar aggregate classification (germline): Uncertain significance (1 of 4 stars; one submission).

Submission:

Dasa
Classification: Uncertain significance. Last evaluated: 2025-07-07. Review status: criteria provided, single submitter. Criteria: DASA Assertion Criteria. Collection method: clinical testing. Allele origin: germline.
Comment: NM_006013.5(RPL10):c.107T>A (p.Leu36Gln) is a missense variant that results in the substitution of leucine with glutamine. This variant is absent from population databases. Computational prediction algorithms are consistent with a deleterious effect. The currently available literature and clinical evidence are not sufficient to establish a definitive association between this variant and the reported condition. Therefore, this variant is classified as a variant of uncertain significance.